The following is an entry in ClinVar:

ClinVar aggregate classification (germline): Pathogenic (1 of 4 stars; one submission).

Conditions:
X-linked lymphoproliferative disease due to XIAP deficiency. Also called: XIAP-Related Lymphoproliferative Disease, X-Linked; XIAP DEFICIENCY. Identifiers: Orphanet 2442, Orphanet 538934, MedGen C1845076, MONDO:0010385, OMIM 300635.

Submission:

Aleixo Muise Laboratory, Hospital For Sick Children
Classification: Pathogenic for X-linked lymphoproliferative disease due to XIAP deficiency. Last evaluated: 2024-07-05. Review status: criteria provided, single submitter. Criteria: ACMG Guidelines, 2015. Collection method: research. Allele origin: germline. Affected: yes. Observed: 1 variant allele.
Comment: PVS1;PM3;PM5;PP3;PP4

NM_001167.4(XIAP):c.1057-600_1300+79del

Gene: XIAP (X-linked inhibitor of apoptosis; plus strand). Cytogenetic location: Xq25.
Variant type: Deletion.
Coding change: c.1057-600_1300+79del on transcript NM_001167.4 (MANE Select); 600 bases into the intron before coding-DNA position 1057 through 79 bases into the intron after coding-DNA position 1300, 8,642 bases deleted.
Molecular consequence: splice acceptor variant, splice donor variant.
Genome position (GRCh38, 1-based): chrX:123,892,131-123,900,772, 8,642 bases deleted. GRCh37 (hg19): chrX:123,025,981-123,034,622.
Other names: c.1057-600_1300+79del (NM_001378592.1, NM_001378591.1, NM_001204401.2 and 1 more transcripts).
Identifiers: ClinVar variation 3255351 (VCV003255351.1).